The following is an entry in ClinVar:

ClinVar aggregate classification (germline): Uncertain significance. Review status: criteria provided, multiple submitters, no conflicts (2 of 4 stars). 2 submissions from 2 submitters: Uncertain significance (2). Last evaluated 2024-09-27.

Allele frequency attached by ClinVar (database versions not stated): gnomAD exomes below 0.00001; TOPMed below 0.00001; gnomAD 0.00001.
gnomAD v4.1: 2 of 1,614,046 alleles (0.00012%); highest among the groups gnomAD compares: Admixed American, 0.0033%; no homozygotes.

Submissions (2):

GeneDx
Classification: Uncertain significance. Last evaluated: 2024-09-27. Review status: criteria provided, single submitter. Criteria: GeneDx Variant Classification Process June 2021. Collection method: clinical testing. Allele origin: germline. Affected: yes.
Comment: Not observed at significant frequency in large population cohorts (gnomAD); In silico analysis supports that this missense variant has a deleterious effect on protein structure/function; Has not been previously published as pathogenic or benign to our knowledge

Labcorp Genetics (formerly Invitae), Labcorp
Classification: Uncertain significance. Last evaluated: 2023-12-07. Review status: criteria provided, single submitter. Criteria: Invitae Variant Classification Sherloc (09022015). Collection method: clinical testing. Allele origin: germline.
Comment: This sequence change replaces phenylalanine, which is neutral and non-polar, with cysteine, which is neutral and slightly polar, at codon 418 of the DENND5A protein (p.Phe418Cys). This variant is not present in population databases (gnomAD no frequency). This variant has not been reported in the literature in individuals affected with DENND5A-related conditions. ClinVar contains an entry for this variant (Variation ID: 1914179). Advanced modeling of protein sequence and biophysical properties (such as structural, functional, and spatial information, amino acid conservation, physicochemical variation, residue mobility, and thermodynamic stability) performed at Invitae indicates that this missense variant is not expected to disrupt DENND5A protein function with a negative predictive value of 80%. In summary, the available evidence is currently insufficient to determine the role of this variant in disease. Therefore, it has been classified as a Variant of Uncertain Significance.

NM_015213.4(DENND5A):c.1253T>G (p.Phe418Cys)

Gene: DENND5A (DENN domain containing 5A; minus strand). Cytogenetic location: 11p15.4.
Variant type: single nucleotide variant.
Coding change: c.1253T>G on transcript NM_015213.4 (MANE Select); coding-DNA position 1253, T replaced by G.
Protein change: p.Phe418Cys; replaces phenylalanine 418 with cysteine.
Molecular consequence: missense variant. On other transcripts: non-coding transcript variant (1).
Genome position (GRCh38, 1-based): chr11:9,180,969, A>C on the plus strand (T>G on the coding strand, the complement: DENND5A is on the minus strand). VCF-style: chr11-9180969-A-C. GRCh37 (hg19) VCF-style: chr11-9202516-A-C.
Other names: c.1253T>G, p.Phe418Cys (NM_001243254.2, NM_001348748.1); c.1181T>G, p.Phe394Cys (NM_001348749.2); c.965T>G, p.Phe322Cys (NM_001348750.2); c.1253T>G (NM_015213.3); short protein forms F418C, F394C, F322C.
Identifiers: ClinVar variation 1914179 (VCV001914179.4), dbSNP rs1848710196, ClinGen allele CA379617251.
Genomic context (GRCh38, chr11:9,180,969, plus strand): 5'-AGCCTCTTCAGCTTGGAGGCACTCTCACTGCAATGAAGATTCCCTTCAGGGGGAATTCCA[A>C]ATGCCATGAGAATCTCAGAGACTTCCTGGACAAACTCCAATTTGTTGGGGAACTGTGGCA-3'
Protein context (NP_056028.2, residues 408-428): VQEVSEILMA[Phe418Cys]GIPPEGNLHC